The following is an entry in ClinVar:

ClinVar aggregate classification (germline): Likely pathogenic (1 of 4 stars; one submission).

Submission:

CeGaT Center for Human Genetics Tuebingen
Classification: Likely pathogenic. Last evaluated: 2026-04-01. Review status: criteria provided, single submitter. Criteria: CeGaT Center For Human Genetics Tuebingen Variant Classification Criteria Version 2. Collection method: clinical testing. Allele origin: germline. Affected: yes. Observed: 1 variant allele.
Comment: GJB1: PVS1:Strong, PM2

NM_000166.6(GJB1):c.571_572del (p.Thr191fs)

Gene: GJB1 (gap junction protein beta 1; plus strand). Cytogenetic location: Xq13.1.
Variant type: Deletion.
Coding change: c.571_572del on transcript NM_000166.6 (MANE Select); coding-DNA positions 571 to 572, 2 bases deleted (AC; older notation c.571_572delAC).
Protein change: p.Thr191fs; shifts the reading frame from threonine 191.
Molecular consequence: frameshift variant.
Genome position (GRCh38, 1-based): chrX:71,224,278-71,224,279, AC deleted; deleting any 2 consecutive bases within chrX:71,224,277-71,224,279 gives the same sequence; the c. name uses the placement nearest the transcript's 3' end. VCF-style (leftmost placement, unchanged base first): chrX-71224276-TCA-T. GRCh37 (hg19) VCF-style: chrX-70444126-TCA-T.
Other names: c.571_572del, p.Thr191fs (NM_001097642.3, NM_001440770.1); short protein forms T191fs.
Identifiers: ClinVar variation 4874586 (VCV004874586.2).